The following is an entry in ClinVar:

ClinVar aggregate classification (germline): Uncertain significance (1 of 4 stars; one submission).

Submission:

GeneDx
Classification: Uncertain significance. Last evaluated: 2026-02-10. Review status: criteria provided, single submitter. Criteria: GeneDx Variant Classification Process June 2021. Collection method: clinical testing. Allele origin: germline.
Comment: Not observed at significant frequency in large population cohorts (gnomAD); In silico analysis suggests that this missense variant does not alter protein structure/function; Has not been previously published as pathogenic or benign to our knowledge

NM_001375524.1(TRRAP):c.11080G>A (p.Gly3694Ser)

Gene: TRRAP (transformation/transcription domain associated protein; plus strand). Cytogenetic location: 7q22.1.
Variant type: single nucleotide variant.
Coding change: c.11080G>A on transcript NM_001375524.1 (MANE Select); coding-DNA position 11080, G replaced by A.
Protein change: p.Gly3694Ser; replaces glycine 3694 with serine.
Molecular consequence: missense variant.
Genome position (GRCh38, 1-based): chr7:99,011,193, G>A. VCF-style: chr7-99011193-G-A. GRCh37 (hg19) VCF-style: chr7-98608816-G-A.
Other names: c.11038G>A, p.Gly3680Ser (NM_001244580.2); c.10951G>A, p.Gly3651Ser (NM_003496.4); short protein forms G3651S, G3680S, G3694S.
Identifiers: ClinVar variation 4976607 (VCV004976607.1).